The following is an entry in ClinVar:

NM_001355436.2(SPTB):c.1012C>T (p.Gln338Ter)

Gene: SPTB (spectrin beta, erythrocytic; minus strand). Cytogenetic location: 14q23.3.
Variant type: single nucleotide variant.
Coding change: c.1012C>T on transcript NM_001355436.2 (MANE Select); coding-DNA position 1012, C replaced by T.
Protein change: p.Gln338Ter; replaces glutamine 338 with a stop codon.
Molecular consequence: nonsense.
Genome position (GRCh38, 1-based): chr14:64,799,799, G>A on the plus strand (C>T on the coding strand, the complement: SPTB is on the minus strand). VCF-style: chr14-64799799-G-A. GRCh37 (hg19) VCF-style: chr14-65266517-G-A.
Other names: c.1012C>T, p.Gln338Ter (NM_001024858.4, NM_001355437.2); short protein forms Q338*.
Identifiers: ClinVar variation 4723551 (VCV004723551.1).

ClinVar aggregate classification (germline): Pathogenic (1 of 4 stars; one submission).

Submission:

Labcorp Genetics (formerly Invitae), Labcorp
Classification: Pathogenic. Last evaluated: 2025-07-22. Review status: criteria provided, single submitter. Criteria: Invitae Variant Classification Sherloc (09022015). Collection method: clinical testing. Allele origin: germline.
Comment: This sequence change creates a premature translational stop signal (p.Gln338*) in the SPTB gene. It is expected to result in an absent or disrupted protein product. Loss-of-function variants in SPTB are known to be pathogenic (PMID: 1391962, 1498324, 8844207, 26830532, 27292444). This variant is not present in population databases (gnomAD no frequency). This variant has not been reported in the literature in individuals affected with SPTB-related conditions. For these reasons, this variant has been classified as Pathogenic.

Literature cited by the submitters: PubMed 1391962; PubMed 1498324; PubMed 8844207; PubMed 26830532; PubMed 27292444.